The following is an entry in ClinVar:

ClinVar aggregate classification (germline): Uncertain significance (1 of 4 stars; one submission).

Submission:

Labcorp Genetics (formerly Invitae), Labcorp
Classification: Uncertain significance. Last evaluated: 2023-04-28. Review status: criteria provided, single submitter. Criteria: Invitae Variant Classification Sherloc (09022015). Collection method: clinical testing. Allele origin: germline.
Comment: In summary, the available evidence is currently insufficient to determine the role of this variant in disease. Therefore, it has been classified as a Variant of Uncertain Significance. Experimental studies and prediction algorithms are not available or were not evaluated, and the functional significance of this variant is currently unknown. This variant has not been reported in the literature in individuals affected with ERCC6L2-related conditions. This variant is not present in population databases (gnomAD no frequency). This sequence change replaces leucine, which is neutral and non-polar, with proline, which is neutral and non-polar, at codon 1314 of the ERCC6L2 protein (p.Leu1314Pro).

NM_020207.7(ERCC6L2):c.3908T>C (p.Leu1303Pro)

Gene: ERCC6L2 (ERCC excision repair 6 like 2; plus strand). Cytogenetic location: 9q22.32.
Variant type: single nucleotide variant.
Coding change: c.3908T>C on transcript NM_020207.7 (MANE Select); coding-DNA position 3908, T replaced by C.
Protein change: p.Leu1303Pro; replaces leucine 1303 with proline.
Molecular consequence: missense variant. On other transcripts: non-coding transcript variant (1), intron variant (2).
Genome position (GRCh38, 1-based): chr9:96,012,458, T>C. VCF-style: chr9-96012458-T-C. GRCh37 (hg19) VCF-style: chr9-98774740-T-C.
Other names: c.3674+7757T>C (NM_001375291.1, NM_001375292.1); short protein forms L1303P.
Identifiers: ClinVar variation 2877372 (VCV002877372.3), dbSNP rs2490771069, ClinGen allele CA466121189.